The following is an entry in ClinVar:

ClinVar aggregate classification (germline): Benign. Review status: criteria provided, multiple submitters, no conflicts (2 of 4 stars). 2 submissions from 2 submitters: Benign (2). Last evaluated 2018-06-14.

Allele frequency attached by ClinVar (database versions not stated): 1000 Genomes Project 30x 0.08542; 1000 Genomes Project 0.08626; gnomAD 0.14179 and 0.14464; TOPMed 0.14811; ESP Exome Variant Server 0.17039; gnomAD exomes 0.18955.
gnomAD v4.1: 253,101 of 1,376,574 alleles (18%); highest among the groups gnomAD compares: Non-Finnish European, 22%; 26,844 homozygotes.

Submissions (2):

GeneDx
Classification: Benign. Last evaluated: 2018-06-14. Review status: criteria provided, single submitter. Criteria: GeneDx Variant Classification (06012015). Collection method: clinical testing. Allele origin: germline. Affected: yes.
Comment: This variant is considered likely benign or benign based on one or more of the following criteria: it is a conservative change, it occurs at a poorly conserved position in the protein, it is predicted to be benign by multiple in silico algorithms, and/or has population frequency not consistent with disease.

Breakthrough Genomics
Classification: Benign. Review status: criteria provided, single submitter. Criteria: ACMG Guidelines, 2015. Collection method: not provided. Allele origin: germline. Inheritance: Autosomal dominant inheritance. Affected: yes.

NM_015443.4(KANSL1):c.2667-62T>A

Gene: KANSL1 (KAT8 regulatory NSL complex subunit 1). Cytogenetic location: 17q21.31.
Variant type: single nucleotide variant.
Coding change: c.2667-62T>A on transcript NM_015443.4 (MANE Select); 62 bases into the intron before coding-DNA position 2667, T replaced by A.
Molecular consequence: intron variant.
Genome position (GRCh38, 1-based): chr17:46,033,522, A>T on the plus strand (T>A on the coding strand, the complement: KANSL1 is on the minus strand). VCF-style: chr17-46033522-A-T. GRCh37 (hg19) VCF-style: chr17-44110888-A-T.
Other names: c.2664-62T>A (NM_001193465.2); c.2667-62T>A (NM_001379198.1, NM_001193466.2).
Identifiers: ClinVar variation 670662 (VCV000670662.2), dbSNP rs77009866, ClinGen allele CA14404207.